The following is an entry in ClinVar:

NM_000116.5(TAFAZZIN):c.873G>A (p.Gly291=)

Gene: TAFAZZIN (tafazzin, phospholipid-lysophospholipid transacylase; plus strand). Cytogenetic location: Xq28.
Variant type: single nucleotide variant.
Coding change: c.873G>A on transcript NM_000116.5 (MANE Select); coding-DNA position 873, G replaced by A.
Protein change: p.Gly291=; no amino-acid change (glycine 291 retained).
Molecular consequence: synonymous variant. On other transcripts: non-coding transcript variant (1).
Genome position (GRCh38, 1-based): chrX:154,420,998, G>A. VCF-style: chrX-154420998-G-A. GRCh37 (hg19) VCF-style: chrX-153649337-G-A.
Other names: p.Gly291=; c.885G>A, p.Gly295= (NM_001303465.2); c.783G>A, p.Gly261= (NM_181311.4); c.831G>A, p.Gly277= (NM_181312.4); c.741G>A, p.Gly247= (NM_181313.4).
Identifiers: ClinVar variation 42270 (VCV000042270.50), dbSNP rs35902788, ClinGen allele CA131113.

ClinVar aggregate classification (germline): Benign/Likely benign. Review status: criteria provided, multiple submitters, no conflicts (2 of 4 stars). 17 submissions from 15 submitters: Benign (7); Likely benign (4). 6 of the submissions do not count toward it. Last evaluated 2026-02-03.

Conditions:
Cardiovascular phenotype. Identifiers: MedGen CN230736.
Endocardial fibroelastosis (EFE). Identifiers: Orphanet 2022, MedGen C0014117, MONDO:0009169, OMIM 226000, HP:0001706.
3-Methylglutaconic aciduria type 2 (BTHS). Also called: CARDIOSKELETAL MYOPATHY WITH NEUTROPENIA AND ABNORMAL MITOCHONDRIA; Barth syndrome. Identifiers: Orphanet 111, MedGen C0574083, MONDO:0010543, OMIM 302060.
Primary dilated cardiomyopathy (DCM). Also called: Dilated Cardiomyopathy. Identifiers: Orphanet 217604, MedGen C0007193, MeSH D002311, MONDO:0005021, HP:0001644. Inheritance: Various modes of inheritance.

Allele frequency attached by ClinVar (database versions not stated): 1000 Genomes Project 0.00159; 1000 Genomes Project 30x 0.00187; gnomAD exomes 0.00359 and 0.00458; TOPMed 0.00366; gnomAD 0.00367 and 0.00370; ExAC 0.00408; ESP Exome Variant Server 0.00464.
gnomAD v4.1: 5,425 of 1,207,772 alleles (0.45%); highest among the groups gnomAD compares: Non-Finnish European, 0.54%; 10 homozygotes.

Submissions (17):

Labcorp Genetics (formerly Invitae), Labcorp
Classification: Benign for 3-Methylglutaconic aciduria type 2. Last evaluated: 2026-02-03. Review status: criteria provided, single submitter. Criteria: Invitae Variant Classification Sherloc (09022015). Collection method: clinical testing. Allele origin: germline.

ARUP Laboratories, Molecular Genetics and Genomics, ARUP Laboratories
Classification: Benign. Last evaluated: 2025-07-28. Review status: criteria provided, single submitter. Criteria: ARUP Molecular Germline Variant Investigation Process 2024. Collection method: clinical testing. Allele origin: germline.

Women's Health and Genetics/Laboratory Corporation of America, LabCorp
Classification: Benign. Last evaluated: 2025-01-06. Review status: criteria provided, single submitter. Criteria: LabCorp Variant Classification Summary - May 2015. Collection method: clinical testing. Allele origin: germline.
Comment: Variant summary: TAFAZZIN c.873G>A alters a non-conserved nucleotide resulting in a synonymous change. Consensus agreement among computation tools predict no significant impact on normal splicing. However, these predictions have yet to be confirmed by functional studies. The variant allele was found at a frequency of 0.0045 in 1207772 control chromosomes in the gnomAD database, including 10 homozygotes and 1697 hemizygotes. The observed variant frequency is approximately 2 - fold of the estimated maximal expected allele frequency for a pathogenic variant in TAFAZZIN causing Barth Syndrome phenotype (0.0022). To our knowledge, no occurrence of c.873G>A in individuals affected with Barth Syndrome and no experimental evidence demonstrating its impact on protein function have been reported. ClinVar contains an entry for this variant (Variation ID: 42270). Based on the evidence outlined above, the variant was classified as benign.

Blueprint Genetics
Classification: Likely benign. Last evaluated: 2024-11-28. Review status: criteria provided, single submitter. Criteria: ACMG Guidelines, 2015. Collection method: clinical testing. Allele origin: germline.

Mayo Clinic Laboratories, Mayo Clinic
Classification: Benign. Last evaluated: 2024-11-22. Review status: criteria provided, single submitter. Criteria: ACMG Guidelines, 2015. Collection method: clinical testing. Allele origin: germline. Observed: 25 variant alleles.
Comment: BA1

Illumina Laboratory Services, Illumina
Classification: Likely benign for Primary dilated cardiomyopathy. Last evaluated: 2018-01-12. Review status: criteria provided, single submitter. Criteria: ICSL Variant Classification Criteria 13 December 2019. Collection method: clinical testing. Allele origin: germline.
Comment: This variant was observed in the ICSL laboratory as part of a predisposition screen in an ostensibly healthy population. It had not been previously curated by ICSL or reported in the Human Gene Mutation Database (HGMD: prior to June 1st, 2018), and was therefore a candidate for classification through an automated scoring system. Utilizing variant allele frequency, disease prevalence and penetrance estimates, and inheritance mode, an automated score was calculated to assess if this variant is too frequent to cause the disease. Based on the score and internal cut-off values, a variant classified as likely benign is not then subjected to further curation. The score for this variant resulted in a classification of likely benign for this disease.

Illumina Laboratory Services, Illumina
Classification: Benign for Endocardial fibroelastosis. Last evaluated: 2018-01-12. Review status: criteria provided, single submitter. Criteria: ICSL Variant Classification Criteria 13 December 2019. Collection method: clinical testing. Allele origin: germline.
Comment: This variant was observed in the ICSL laboratory as part of a predisposition screen in an ostensibly healthy population. It had not been previously curated by ICSL or reported in the Human Gene Mutation Database (HGMD: prior to June 1st, 2018), and was therefore a candidate for classification through an automated scoring system. Utilizing variant allele frequency, disease prevalence and penetrance estimates, and inheritance mode, an automated score was calculated to assess if this variant is too frequent to cause the disease. Based on the score and internal cut-off values, a variant classified as benign is not then subjected to further curation. The score for this variant resulted in a classification of benign for this disease.

Ambry Genetics
Classification: Likely benign for Cardiovascular phenotype. Last evaluated: 2016-03-02. Review status: criteria provided, single submitter. Criteria: Ambry Variant Classification Scheme 2023. Collection method: clinical testing. Allele origin: germline.

GeneDx
Classification: Benign. Last evaluated: 2015-03-03. Review status: criteria provided, single submitter. Criteria: GeneDx Variant Classification Process June 2021. Collection method: clinical testing. Allele origin: germline. Affected: yes.

Laboratory for Molecular Medicine, Mass General Brigham Personalized Medicine
Classification: Benign. Last evaluated: 2012-03-01. Review status: criteria provided, single submitter. Criteria: LMM Criteria. Collection method: clinical testing. Allele origin: germline. Observed: 19 variant alleles.
Comment: Gly291Gly in exon 11 of TAZ: This variant is not expected to have clinical signi ficance because it does not alter an amino acid residue and has been identified in 0.6% (33/5545) of European American chromosomes in a broad population by the NHLBI Exome Sequencing Project (dbSNP rs359027 88).

Breakthrough Genomics
Classification: Likely benign. Review status: criteria provided, single submitter. Criteria: ACMG Guidelines, 2015. Collection method: not provided. Allele origin: germline. Inheritance: X-linked inheritance. Affected: yes.

Clinical Genetics DNA and cytogenetics Diagnostics Lab, Erasmus MC, Erasmus Medical Center
Classification: Likely benign. Review status: no assertion criteria provided. Collection method: clinical testing. Allele origin: germline. Affected: yes. Study: VKGL Data-share Consensus. Not counted in ClinVar's aggregate classification.

Clinical Genetics, Academic Medical Center
Classification: Benign. Review status: no assertion criteria provided. Collection method: clinical testing. Allele origin: germline. Affected: yes. Study: VKGL Data-share Consensus. Not counted in ClinVar's aggregate classification.

Diagnostic Laboratory, Department of Genetics, University Medical Center Groningen
Classification: Likely benign for 3-Methylglutaconic aciduria type 2. Review status: no assertion criteria provided. Collection method: clinical testing. Allele origin: germline. Affected: yes. Study: VKGL Data-share Consensus. Not counted in ClinVar's aggregate classification.

Diagnostic Laboratory, Department of Genetics, University Medical Center Groningen
Classification: Likely benign. Review status: no assertion criteria provided. Collection method: clinical testing. Allele origin: germline. Affected: yes. Study: VKGL Data-share Consensus. Not counted in ClinVar's aggregate classification.

Genome Diagnostics Laboratory, University Medical Center Utrecht
Classification: Benign. Review status: no assertion criteria provided. Collection method: clinical testing. Allele origin: germline. Affected: yes. Study: VKGL Data-share Consensus. Not counted in ClinVar's aggregate classification.

Joint Genome Diagnostic Labs from Nijmegen and Maastricht, Radboudumc and MUMC+
Classification: Benign. Review status: no assertion criteria provided. Collection method: clinical testing. Allele origin: germline. Affected: yes. Study: VKGL Data-share Consensus. Not counted in ClinVar's aggregate classification.